The following is an entry in ClinVar:

NM_013339.4(ALG6):c.285_286insTATAAACTTT (p.Ala96fs)

Gene: ALG6 (ALG6 alpha-1,3-glucosyltransferase; plus strand). Cytogenetic location: 1p31.3.
Variant type: Insertion.
Coding change: c.285_286insTATAAACTTT on transcript NM_013339.4 (MANE Select); coding-DNA positions 285 to 286, TATAAACTTT inserted.
Protein change: p.Ala96fs; shifts the reading frame from alanine 96.
Molecular consequence: frameshift variant.
Genome position: GRCh38 VCF-style: chr1-63404478-A-ATTTATAAACT. GRCh37 (hg19) VCF-style: chr1-63870149-A-ATTTATAAACT.
Other names: short protein forms A96fs.
Identifiers: ClinVar variation 1724095 (VCV001724095.2), dbSNP rs2523729722, ClinGen allele CA2580063178.

ClinVar aggregate classification (germline): Likely pathogenic (1 of 4 stars; one submission).

Conditions:
ALG6-congenital disorder of glycosylation 1C (CDG1C). Also called: Congenital disorder of glycosylation, type Ic; Congenital disorder of glycosylation type 1C; CDG Ic; CARBOHYDRATE-DEFICIENT GLYCOPROTEIN SYNDROME, TYPE I, WITH DEFICIENT GLYCOSYLATION OF DOLICHOL-LINKED OLIGOSACCHARIDE; CARBOHYDRATE-DEFICIENT GLYCOPROTEIN SYNDROME, TYPE V. Identifiers: Orphanet 79320, MedGen C2930997, MONDO:0011291, OMIM 603147.

Submission:

Myriad Genetics, Inc.
Classification: Likely pathogenic for ALG6-congenital disorder of glycosylation 1C. Last evaluated: 2022-01-25. Review status: criteria provided, single submitter. Criteria: Myriad Women's Health Autosomal Recessive and X-Linked Classification Criteria (2021). Collection method: clinical testing. Allele origin: unknown.
Comment: NM_013339.3(ALG6):c.285_286ins10(A96Yfs*12) is expected to be pathogenic in the context of congenital disorder of glycosylation type Ic. This variant is predicted to lead to an abnormal or absent protein product due to the creation of a premature termination codon in ALG6, a gene where loss-of-function variants are known to be pathogenic. Please note: this variant was assessed in the context of healthy population screening.